The following is an entry in ClinVar:

NM_001329943.3(KIAA0586):c.2531C>A (p.Pro844His)

Gene: KIAA0586 (KIAA0586; plus strand). Cytogenetic location: 14q23.1.
Variant type: single nucleotide variant.
Coding change: c.2531C>A on transcript NM_001329943.3 (MANE Select); coding-DNA position 2531, C replaced by A.
Protein change: p.Pro844His; replaces proline 844 with histidine.
Molecular consequence: missense variant.
Genome position (GRCh38, 1-based): chr14:58,470,701, C>A. VCF-style: chr14-58470701-C-A. GRCh37 (hg19) VCF-style: chr14-58937419-C-A.
Other names: c.2690C>A, p.Pro897His (NM_001244189.2); c.2486C>A, p.Pro829His (NM_001244190.2); c.2276C>A, p.Pro759His (NM_001244191.2, NM_001329945.2, NM_001364700.1 and 1 more transcripts); c.2399C>A, p.Pro800His (NM_001244192.2); c.2111C>A, p.Pro704His (NM_001244193.2); c.2531C>A, p.Pro844His (NM_001329944.2, NM_001329946.2, NM_001329947.2); c.2303C>A, p.Pro768His (NM_014749.5); c.2303C>A (NM_014749.3); short protein forms P704H, P759H, P768H, P800H, P829H, P844H, P897H.
Identifiers: ClinVar variation 1311884 (VCV001311884.8), dbSNP rs200490147, ClinGen allele CA7205902.

ClinVar aggregate classification (germline): Uncertain significance. Review status: criteria provided, multiple submitters, no conflicts (2 of 4 stars). 3 submissions from 3 submitters: Uncertain significance (3). Last evaluated 2025-07-31.

Conditions:
Inborn genetic diseases. Identifiers: MedGen C0950123, MeSH D030342.
Joubert syndrome 23 (JBTS23). Identifiers: Orphanet 475, MedGen C4084822, MONDO:0014664, OMIM 616490.
Short-rib thoracic dysplasia 14 with polydactyly (SRTD14). Identifiers: Orphanet 397715, MedGen C4225286, MONDO:0014688, OMIM 616546.

Allele frequency attached by ClinVar (database versions not stated): gnomAD 0.00003 and 0.00004; ExAC 0.00002; TOPMed 0.00003; gnomAD exomes 0.00002; ESP Exome Variant Server 0.00017.
gnomAD v4.1: 110 of 1,583,496 alleles (0.0069%); highest among the groups gnomAD compares: Non-Finnish European, 0.0095%; no homozygotes.

Submissions (3):

Ambry Genetics
Classification: Uncertain significance for Inborn genetic diseases. Last evaluated: 2025-07-31. Review status: criteria provided, single submitter. Criteria: Ambry Variant Classification Scheme 2023. Collection method: clinical testing. Allele origin: germline.

Labcorp Genetics (formerly Invitae), Labcorp
Classification: Uncertain significance for Joubert syndrome 23; Short-rib thoracic dysplasia 14 with polydactyly. Last evaluated: 2025-07-08. Review status: criteria provided, single submitter. Criteria: Invitae Variant Classification Sherloc (09022015). Collection method: clinical testing. Allele origin: germline.
Comment: This sequence change replaces proline, which is neutral and non-polar, with histidine, which is basic and polar, at codon 897 of the KIAA0586 protein (p.Pro897His). This variant is present in population databases (rs200490147, gnomAD 0.005%). This variant has not been reported in the literature in individuals affected with KIAA0586-related conditions. ClinVar contains an entry for this variant (Variation ID: 1311884). An algorithm developed to predict the effect of missense changes on protein structure and function outputs the following: PolyPhen-2: "Probably Damaging". The histidine amino acid residue is found in multiple mammalian species, which suggests that this missense change does not adversely affect protein function. In summary, the available evidence is currently insufficient to determine the role of this variant in disease. Therefore, it has been classified as a Variant of Uncertain Significance.

GeneDx
Classification: Uncertain significance. Last evaluated: 2024-08-30. Review status: criteria provided, single submitter. Criteria: GeneDx Variant Classification Process June 2021. Collection method: clinical testing. Allele origin: germline. Affected: yes.
Comment: In silico analysis supports that this missense variant has a deleterious effect on protein structure/function; Has not been previously published as pathogenic or benign to our knowledge